The following is an entry in ClinVar:

NM_001085487.3(MYSM1):c.580A>G (p.Lys194Glu)

Gene: MYSM1 (Myb like, SWIRM and MPN domains 1; minus strand). Cytogenetic location: 1p32.1.
Variant type: single nucleotide variant.
Coding change: c.580A>G on transcript NM_001085487.3 (MANE Select); coding-DNA position 580, A replaced by G.
Protein change: p.Lys194Glu; replaces lysine 194 with glutamic acid.
Molecular consequence: missense variant.
Genome position (GRCh38, 1-based): chr1:58,682,464, T>C on the plus strand (A>G on the coding strand, the complement: MYSM1 is on the minus strand). VCF-style: chr1-58682464-T-C. GRCh37 (hg19) VCF-style: chr1-59148136-T-C.
Other names: p.Lys194Glu; short protein forms K194E.
Identifiers: ClinVar variation 1166029 (VCV001166029.11), dbSNP rs141778225, ClinGen allele CA877983.

ClinVar aggregate classification (germline): Benign. Review status: criteria provided, multiple submitters, no conflicts (2 of 4 stars). 3 submissions from 3 submitters: Benign (3). Last evaluated 2026-02-04.

Allele frequency attached by ClinVar (database versions not stated): 1000 Genomes Project 30x 0.00812; 1000 Genomes Project 0.00819; TOPMed 0.01030; gnomAD 0.01067 and 0.01095; ESP Exome Variant Server 0.01187; gnomAD exomes 0.01399 and 0.01585; ExAC 0.01421.
gnomAD v4.1: 24,850 of 1,614,100 alleles (1.5%); highest among the groups gnomAD compares: South Asian, 2.8%; 254 homozygotes.

Submissions (3):

Labcorp Genetics (formerly Invitae), Labcorp
Classification: Benign. Last evaluated: 2026-02-04. Review status: criteria provided, single submitter. Criteria: Invitae Variant Classification Sherloc (09022015). Collection method: clinical testing. Allele origin: germline.

Mayo Clinic Laboratories, Mayo Clinic
Classification: Benign. Last evaluated: 2025-10-23. Review status: criteria provided, single submitter. Criteria: ACMG Guidelines, 2015. Collection method: clinical testing. Allele origin: germline. Observed: 1 variant allele.
Comment: BS1, BS2, BP4_moderate

Breakthrough Genomics
Classification: Benign. Review status: criteria provided, single submitter. Criteria: ACMG Guidelines, 2015. Collection method: not provided. Allele origin: germline. Inheritance: Autosomal recessive inheritance. Affected: yes.